The following is an entry in ClinVar:

NM_001370785.2(LRRC7):c.2288+1G>A

Genes: LRRC7 (leucine rich repeat containing 7; plus strand), LRRC7-AS1 (LRRC7 antisense RNA 1; minus strand). Cytogenetic location: 1p31.1.
Variant type: single nucleotide variant.
Coding change: c.2288+1G>A on transcript NM_001370785.2 (MANE Select); the canonical splice donor site of the intron after coding-DNA position 2288, G replaced by A.
Molecular consequence: splice donor variant. On other transcripts: non-coding transcript variant (1).
Genome position (GRCh38, 1-based): chr1:70,036,625, G>A. VCF-style: chr1-70036625-G-A. GRCh37 (hg19) VCF-style: chr1-70502308-G-A.
Other names: c.2189+1G>A (NM_001330635.3, NM_001366841.1); c.2129+1G>A (NM_001366839.3); c.2288+1G>A (NM_001366838.3); c.2291+1G>A (NM_001350216.3).
Identifiers: ClinVar variation 3343450 (VCV003343450.1).

ClinVar aggregate classification (germline): Uncertain significance (1 of 4 stars; one submission).

Submission:

GeneDx
Classification: Uncertain significance. Last evaluated: 2023-05-16. Review status: criteria provided, single submitter. Criteria: GeneDx Variant Classification Process June 2021. Collection method: clinical testing. Allele origin: germline. Affected: yes.
Comment: Not observed at significant frequency in large population cohorts (gnomAD); Canonical splice site variant in a gene or region of a gene for which loss of function is not a well-established mechanism of disease; Has not been previously published as pathogenic or benign to our knowledge; Variants in candidate genes are classified as variants of uncertain significance in accordance with ACMG guidelines (Richards et al., 2015)